The following is an entry in ClinVar:

NM_001206744.2(TPO):c.523C>T (p.Arg175Ter)

Gene: TPO (thyroid peroxidase; plus strand). Cytogenetic location: 2p25.3.
Variant type: single nucleotide variant.
Coding change: c.523C>T on transcript NM_001206744.2 (MANE Select); coding-DNA position 523, C replaced by T.
Protein change: p.Arg175Ter; replaces arginine 175 with a stop codon.
Molecular consequence: nonsense.
Genome position (GRCh38, 1-based): chr2:1,453,734, C>T. VCF-style: chr2-1453734-C-T. GRCh37 (hg19) VCF-style: chr2-1457506-C-T.
Other names: c.523C>T, p.Arg175Ter (NM_000547.6, NM_001206745.2, NM_175719.4 and 2 more transcripts); short protein forms R175*.
Identifiers: ClinVar variation 2734125 (VCV002734125.3), dbSNP rs763459820, ClinGen allele CA1511473.

ClinVar aggregate classification (germline): Pathogenic (1 of 4 stars; one submission).

Allele frequency attached by ClinVar (database versions not stated): ExAC 0.00001; gnomAD 0.00001; gnomAD exomes 0.00001.
gnomAD v4.1: 13 of 1,613,848 alleles (0.00081%); highest among the groups gnomAD compares: South Asian, 0.0022%; 1 homozygote.

Submission:

Labcorp Genetics (formerly Invitae), Labcorp
Classification: Pathogenic. Last evaluated: 2023-05-19. Review status: criteria provided, single submitter. Criteria: Invitae Variant Classification Sherloc (09022015). Collection method: clinical testing. Allele origin: germline.
Comment: For these reasons, this variant has been classified as Pathogenic. This premature translational stop signal has been observed in individual(s) with thyroid dyshormonogenesis (PMID: 17468186). This variant is present in population databases (rs763459820, gnomAD 0.002%). This sequence change creates a premature translational stop signal (p.Arg175*) in the TPO gene. It is expected to result in an absent or disrupted protein product. Loss-of-function variants in TPO are known to be pathogenic (PMID: 11061528, 23236987, 25564141).

Literature cited by the submitters: PubMed 17468186; PubMed 11061528; PubMed 23236987; PubMed 25564141.